The following is an entry in ClinVar:

ClinVar aggregate classification (germline): Likely pathogenic (1 of 4 stars; one submission).

Submission:

GeneDx
Classification: Likely pathogenic. Last evaluated: 2026-09-17. Review status: criteria provided, single submitter. Criteria: GeneDx Variant Classification Process June 2021. Collection method: clinical testing. Allele origin: germline.
Comment: In silico analysis supports that this missense variant has a deleterious effect on protein structure/function; Not observed at significant frequency in large population cohorts (gnomAD); Has not been previously published as pathogenic or benign to our knowledge

NM_001130438.3(SPTAN1):c.6749T>C (p.Leu2250Pro)

Gene: SPTAN1 (spectrin alpha, non-erythrocytic 1; plus strand). Cytogenetic location: 9q34.11.
Variant type: single nucleotide variant.
Coding change: c.6749T>C on transcript NM_001130438.3 (MANE Select); coding-DNA position 6749, T replaced by C.
Protein change: p.Leu2250Pro; replaces leucine 2250 with proline.
Molecular consequence: missense variant.
Genome position (GRCh38, 1-based): chr9:128,630,362, T>C. VCF-style: chr9-128630362-T-C. GRCh37 (hg19) VCF-style: chr9-131392641-T-C.
Other names: c.6674T>C, p.Leu2225Pro (NM_001195532.2); c.6812T>C, p.Leu2271Pro (NM_001363759.2); c.6689T>C, p.Leu2230Pro (NM_001363765.2, NM_001375314.2); c.6836T>C, p.Leu2279Pro (NM_001375310.1); c.6749T>C, p.Leu2250Pro (NM_001375311.2); c.6785T>C, p.Leu2262Pro (NM_001375312.2); c.6731T>C, p.Leu2244Pro (NM_001375313.1); c.6848T>C, p.Leu2283Pro (NM_001375318.1); and 1 more; short protein forms L2225P, L2230P, L2244P, L2245P, L2250P, L2262P, L2271P, L2279P.
Identifiers: ClinVar variation 1801119 (VCV001801119.2), dbSNP rs2542325619, ClinGen allele CA375095406.